The following is an entry in ClinVar:

ClinVar aggregate classification (germline): Benign (1 of 4 stars; one submission).

Allele frequency attached by ClinVar (database versions not stated): gnomAD 0.13453 and 0.13931; TOPMed 0.13805; 1000 Genomes Project 0.18810.
gnomAD v4.1: 21,099 of 152,062 alleles (14%); highest among the groups gnomAD compares: South Asian, 29%; 1,611 homozygotes.

Submission:

GeneDx
Classification: Benign. Last evaluated: 2018-06-14. Review status: criteria provided, single submitter. Criteria: GeneDx Variant Classification (06012015). Collection method: clinical testing. Allele origin: germline. Affected: yes.
Comment: This variant is considered likely benign or benign based on one or more of the following criteria: it is a conservative change, it occurs at a poorly conserved position in the protein, it is predicted to be benign by multiple in silico algorithms, and/or has population frequency not consistent with disease.

NM_206933.4(USH2A):c.7595-1906T>A

Gene: USH2A (usherin; minus strand). Cytogenetic location: 1q41.
Variant type: single nucleotide variant.
Coding change: c.7595-1906T>A on transcript NM_206933.4 (MANE Select); 1906 bases into the intron before coding-DNA position 7595, T replaced by A.
Molecular consequence: intron variant.
Genome position (GRCh38, 1-based): chr1:215,890,960, A>T on the plus strand (T>A on the coding strand, the complement: USH2A is on the minus strand). VCF-style: chr1-215890960-A-T. GRCh37 (hg19) VCF-style: chr1-216064302-A-T.
Identifiers: ClinVar variation 672463 (VCV000672463.1), dbSNP rs12741197, ClinGen allele CA37444576.